The following is an entry in ClinVar:

ClinVar aggregate classification (germline): Pathogenic (1 of 4 stars; one submission).

Submission:

GeneDx
Classification: Pathogenic. Last evaluated: 2017-11-30. Review status: criteria provided, single submitter. Criteria: GeneDx Variant Classification (06012015). Collection method: clinical testing. Allele origin: germline. Affected: yes.
Comment: The c.1267-1G>A variant in the FOXP2 gene has not been reported previously as a pathogenic variant nor as a benign variant, to our knowledge. This splice site variant destroys the canonical spliceacceptor site in intron 10. It is predicted to cause abnormal gene splicing, either leading to anabnormal message that is subject to nonsense-mediated mRNA decay, or to an abnormal proteinproduct if the message is used for protein translation. The c.1267-1G>A variant is not observed in large population cohorts (Lek et al., 2016). We interpret c.1267-1G>A as a pathogenic variant.

NM_014491.4(FOXP2):c.1267-1G>A

Gene: FOXP2 (forkhead box P2; plus strand). Cytogenetic location: 7q31.1.
Variant type: single nucleotide variant.
Coding change: c.1267-1G>A on transcript NM_014491.4 (MANE Select); the canonical splice acceptor site of the intron before coding-DNA position 1267, G replaced by A.
Molecular consequence: splice acceptor variant.
Genome position (GRCh38, 1-based): chr7:114,658,065, G>A. VCF-style: chr7-114658065-G-A. GRCh37 (hg19) VCF-style: chr7-114298120-G-A.
Other names: c.1342-1G>A (NM_148898.4); c.1318-1G>A (NM_148900.4); c.1264-1G>A (NM_001172766.3).
Identifiers: ClinVar variation 489181 (VCV000489181.2), dbSNP rs1554440661, ClinGen allele CA368964850.